The following is an entry in ClinVar:

ClinVar aggregate classification (germline): Pathogenic (1 of 4 stars; one submission).

Allele frequency attached by ClinVar (database versions not stated): gnomAD 0.00001; TOPMed 0.00001.
gnomAD v4.1: 1 of 1,614,096 alleles (0.000062%); highest among the groups gnomAD compares: African/African-American, 0.0013%; no homozygotes.

Submission:

Labcorp Genetics (formerly Invitae), Labcorp
Classification: Pathogenic. Last evaluated: 2022-08-23. Review status: criteria provided, single submitter. Criteria: Invitae Variant Classification Sherloc (09022015). Collection method: clinical testing. Allele origin: germline.
Comment: For these reasons, this variant has been classified as Pathogenic. ClinVar contains an entry for this variant (Variation ID: 1451347). This variant has not been reported in the literature in individuals affected with COQ9-related conditions. This variant is not present in population databases (gnomAD no frequency). This sequence change creates a premature translational stop signal (p.Gln66*) in the COQ9 gene. It is expected to result in an absent or disrupted protein product. Loss-of-function variants in COQ9 are known to be pathogenic (PMID: 19375058, 26081641).

Literature cited by the submitters: PubMed 19375058; PubMed 26081641.

NM_020312.4(COQ9):c.196C>T (p.Gln66Ter)

Gene: COQ9 (coenzyme Q9; plus strand). Cytogenetic location: 16q21.
Variant type: single nucleotide variant.
Coding change: c.196C>T on transcript NM_020312.4 (MANE Select); coding-DNA position 196, C replaced by T.
Protein change: p.Gln66Ter; replaces glutamine 66 with a stop codon.
Molecular consequence: nonsense.
Genome position (GRCh38, 1-based): chr16:57,451,162, C>T. VCF-style: chr16-57451162-C-T. GRCh37 (hg19) VCF-style: chr16-57485074-C-T.
Other names: short protein forms Q66*.
Identifiers: ClinVar variation 1451347 (VCV001451347.6), dbSNP rs770175074, ClinGen allele CA396026761.